The following is an entry in ClinVar:

NM_000135.4(FANCA):c.196G>T (p.Gly66Cys)

Gene: FANCA (FA complementation group A; minus strand). Cytogenetic location: 16q24.3.
Variant type: single nucleotide variant.
Coding change: c.196G>T on transcript NM_000135.4 (MANE Select); coding-DNA position 196, G replaced by T.
Protein change: p.Gly66Cys; replaces glycine 66 with cysteine.
Molecular consequence: missense variant.
Genome position (GRCh38, 1-based): chr16:89,814,607, C>A on the plus strand (G>T on the coding strand, the complement: FANCA is on the minus strand). VCF-style: chr16-89814607-C-A. GRCh37 (hg19) VCF-style: chr16-89881015-C-A.
Other names: c.196G>T, p.Gly66Cys (NM_001018112.3, NM_001286167.3, NM_001351830.2); c.196G>T (NM_000135.3); short protein forms G66C.
Identifiers: ClinVar variation 2084803 (VCV002084803.4), dbSNP rs753727231, ClinGen allele CA8253119.

ClinVar aggregate classification (germline): Uncertain significance. Review status: criteria provided, multiple submitters, no conflicts (2 of 4 stars). 3 submissions from 3 submitters: Uncertain significance (3). Last evaluated 2024-12-28.

Conditions:
Inborn genetic diseases. Identifiers: MedGen C0950123, MeSH D030342.
Fanconi anemia (FA). Also called: Fanconi's anemia. Identifiers: Orphanet 84, MedGen C0015625, MeSH D005199, MONDO:0019391.

Allele frequency attached by ClinVar (database versions not stated): gnomAD 0.00002; TOPMed 0.00002; ExAC 0.00004.

Submissions (3):

Ambry Genetics
Classification: Uncertain significance for Inborn genetic diseases. Last evaluated: 2024-12-28. Review status: criteria provided, single submitter. Criteria: Ambry Variant Classification Scheme 2023. Collection method: clinical testing. Allele origin: germline.
Comment: The p.G66C variant (also known as c.196G>T), located in coding exon 3 of the FANCA gene, results from a G to T substitution at nucleotide position 196. The glycine at codon 66 is replaced by cysteine, an amino acid with highly dissimilar properties. This amino acid position is conserved. In addition, this alteration is predicted to be tolerated by in silico analysis. Based on the available evidence, the clinical significance of this variant remains unclear.

Quest Diagnostics Nichols Institute San Juan Capistrano
Classification: Uncertain significance. Last evaluated: 2023-11-27. Review status: criteria provided, single submitter. Criteria: Quest Diagnostics criteria. Collection method: clinical testing. Allele origin: unknown.
Comment: The FANCA c.196G>T (p.Gly66Cys) variant has not been reported in individuals with FANCA-related conditions in the published literature. The frequency of this variant in the general population, 0.000053 (6/113726 chromosomes (Genome Aggregation Database)), is uninformative in the assessment of its pathogenicity. Analysis of this variant using bioinformatics tools for the prediction of the effect of amino acid changes on protein structure and function yielded conflicting predictions that this variant is benign or damaging. Based on the available information, we are unable to determine the clinical significance of this variant.

Labcorp Genetics (formerly Invitae), Labcorp
Classification: Uncertain significance for Fanconi anemia. Last evaluated: 2022-07-31. Review status: criteria provided, single submitter. Criteria: Invitae Variant Classification Sherloc (09022015). Collection method: clinical testing. Allele origin: germline.
Comment: This sequence change replaces glycine, which is neutral and non-polar, with cysteine, which is neutral and slightly polar, at codon 66 of the FANCA protein (p.Gly66Cys). This variant is present in population databases (rs753727231, gnomAD 0.005%). This variant has not been reported in the literature in individuals affected with FANCA-related conditions. Advanced modeling of protein sequence and biophysical properties (such as structural, functional, and spatial information, amino acid conservation, physicochemical variation, residue mobility, and thermodynamic stability) performed at Invitae indicates that this missense variant is not expected to disrupt FANCA protein function. In summary, the available evidence is currently insufficient to determine the role of this variant in disease. Therefore, it has been classified as a Variant of Uncertain Significance.